The following is an entry in ClinVar:

NM_003793.4(CTSF):c.131G>A (p.Arg44His)

Gene: CTSF (cathepsin F; minus strand). Cytogenetic location: 11q13.2.
Variant type: single nucleotide variant.
Coding change: c.131G>A on transcript NM_003793.4 (MANE Select); coding-DNA position 131, G replaced by A.
Protein change: p.Arg44His; replaces arginine 44 with histidine.
Molecular consequence: missense variant.
Genome position (GRCh38, 1-based): chr11:66,568,356, C>T on the plus strand (G>A on the coding strand, the complement: CTSF is on the minus strand). VCF-style: chr11-66568356-C-T. GRCh37 (hg19) VCF-style: chr11-66335827-C-T.
Other names: short protein forms R44H.
Identifiers: ClinVar variation 4616732 (VCV004616732.1).

ClinVar aggregate classification (germline): Uncertain significance (1 of 4 stars; one submission).

Conditions:
Inborn genetic diseases. Identifiers: MedGen C0950123, MeSH D030342.

gnomAD v4.1: 12 of 1,305,106 alleles (0.00092%); highest among the groups gnomAD compares: Non-Finnish European, 0.0012%; no homozygotes.

Submission:

Ambry Genetics
Classification: Uncertain significance for Inborn genetic diseases. Last evaluated: 2025-11-03. Review status: criteria provided, single submitter. Criteria: Ambry Variant Classification Scheme 2023. Collection method: clinical testing. Allele origin: germline.
Comment: The c.131G>A (p.R44H) alteration is located in exon 1 (coding exon 1) of the CTSF gene. This alteration results from a G to A substitution at nucleotide position 131, causing the arginine (R) at amino acid position 44 to be replaced by a histidine (H). Based on data from gnomAD, the A allele has an overall frequency of <0.001% (0/596) total alleles studied. The highest observed frequency was <0.001% (/) of alleles. Based on insufficient or conflicting evidence, the clinical significance of this alteration remains unclear.